The following is an entry in ClinVar:

NM_002693.3(POLG):c.846C>G (p.Tyr282Ter)

Gene: POLG (DNA polymerase gamma, catalytic subunit; minus strand). Cytogenetic location: 15q26.1.
Variant type: single nucleotide variant.
Coding change: c.846C>G on transcript NM_002693.3 (MANE Select); coding-DNA position 846, C replaced by G.
Protein change: p.Tyr282Ter; replaces tyrosine 282 with a stop codon.
Molecular consequence: nonsense.
Genome position (GRCh38, 1-based): chr15:89,330,090, G>C on the plus strand (C>G on the coding strand, the complement: POLG is on the minus strand). VCF-style: chr15-89330090-G-C. GRCh37 (hg19) VCF-style: chr15-89873321-G-C.
Other names: c.846C>G, p.Tyr282Ter (NM_001126131.2); short protein forms Y282*.
Identifiers: ClinVar variation 1398287 (VCV001398287.6), dbSNP rs2152068651, ClinGen allele CA393766544.
Genomic context (GRCh38, chr15:89,330,090, plus strand): 5'-GCTCCTGGCCCATCCCATGCCAGAACCTGCAGTTGGCCCCAGGAACCTTACCTGGATCAG[G>C]TACTGCTCCCTGATATGAGCTCGGTCAAAGGAAACATTGTGCCCCACCACTAACTGCTCC-3'

ClinVar aggregate classification (germline): Pathogenic (1 of 4 stars; one submission).

Conditions:
Progressive sclerosing poliodystrophy (MTDPS4A). Also called: Mitochondrial DNA depletion syndrome 4A (Alpers type); ALPERS PROGRESSIVE INFANTILE POLIODYSTROPHY; NEURONAL DEGENERATION OF CHILDHOOD WITH LIVER DISEASE, PROGRESSIVE; Mitochondrial DNA Depletion Syndrome 4A; Alpers-Huttenlocher Syndrome (AHS); Alpers Syndrome. Identifiers: Orphanet 726, MedGen C0205710, MONDO:0008758, OMIM 203700.

Submission:

Labcorp Genetics (formerly Invitae), Labcorp
Classification: Pathogenic for Progressive sclerosing poliodystrophy. Last evaluated: 2024-02-24. Review status: criteria provided, single submitter. Criteria: Invitae Variant Classification Sherloc (09022015). Collection method: clinical testing. Allele origin: germline.
Comment: This sequence change creates a premature translational stop signal (p.Tyr282*) in the POLG gene. It is expected to result in an absent or disrupted protein product. Loss-of-function variants in POLG are known to be pathogenic (PMID: 18546365). This variant is not present in population databases (gnomAD no frequency). This variant has not been reported in the literature in individuals affected with POLG-related conditions. ClinVar contains an entry for this variant (Variation ID: 1398287). For these reasons, this variant has been classified as Pathogenic.

Literature cited by the submitters: PubMed 18546365.